The following is an entry in ClinVar:

NM_002609.4(PDGFRB):c.1724A>G (p.Asp575Gly)

Gene: PDGFRB (platelet derived growth factor receptor beta; minus strand). Cytogenetic location: 5q32.
Variant type: single nucleotide variant.
Coding change: c.1724A>G on transcript NM_002609.4 (MANE Select); coding-DNA position 1724, A replaced by G.
Protein change: p.Asp575Gly; replaces aspartic acid 575 with glycine.
Molecular consequence: missense variant.
Genome position (GRCh38, 1-based): chr5:150,125,528, T>C on the plus strand (A>G on the coding strand, the complement: PDGFRB is on the minus strand). VCF-style: chr5-150125528-T-C. GRCh37 (hg19) VCF-style: chr5-149505091-T-C.
Other names: c.1532A>G, p.Asp511Gly (NM_001355016.2); c.1241A>G, p.Asp414Gly (NM_001355017.2); short protein forms D414G, D511G, D575G.
Identifiers: ClinVar variation 3764375 (VCV003764375.1).

ClinVar aggregate classification (germline): Uncertain significance (1 of 4 stars; one submission).

gnomAD v4.1: 1 of 1,613,528 alleles (0.000062%); highest among the groups gnomAD compares: Admixed American, 0.0017%; no homozygotes.

Submission:

GeneDx
Classification: Uncertain significance. Last evaluated: 2024-08-21. Review status: criteria provided, single submitter. Criteria: GeneDx Variant Classification Process June 2021. Collection method: clinical testing. Allele origin: germline. Affected: yes.
Comment: Not observed at significant frequency in large population cohorts (gnomAD); In silico analysis supports that this missense variant has a deleterious effect on protein structure/function; Has not been previously published as pathogenic or benign to our knowledge